The following is an entry in ClinVar:

NM_033453.4(ITPA):c.221G>T (p.Cys74Phe)

Gene: ITPA (inosine triphosphatase; plus strand). Cytogenetic location: 20p13.
Variant type: single nucleotide variant.
Coding change: c.221G>T on transcript NM_033453.4 (MANE Select); coding-DNA position 221, G replaced by T.
Protein change: p.Cys74Phe; replaces cysteine 74 with phenylalanine.
Molecular consequence: missense variant. On other transcripts: 5 prime UTR variant (4), non-coding transcript variant (2).
Genome position (GRCh38, 1-based): chr20:3,214,016, G>T. VCF-style: chr20-3214016-G-T. GRCh37 (hg19) VCF-style: chr20-3194662-G-T.
Other names: c.98G>T, p.Cys33Phe (NM_001267623.2); c.-117G>T (NM_001324236.2, NM_001324237.2, NM_001324238.2 and 1 more transcripts); c.221G>T, p.Cys74Phe (NM_001324240.2, NM_001424408.1); c.347G>T, p.Cys116Phe (NM_001424409.1); c.170G>T, p.Cys57Phe (NM_181493.4); short protein forms C116F, C33F, C57F, C74F.
Identifiers: ClinVar variation 4292160 (VCV004292160.1).

ClinVar aggregate classification (germline): Uncertain significance (1 of 4 stars; one submission).

Conditions:
Developmental and epileptic encephalopathy, 35 (DEE35). Also called: Epileptic encephalopathy, early infantile, 35. Identifiers: Orphanet 457375, MedGen C4225256, MONDO:0014719, OMIM 616647.

Submission:

3billion
Classification: Uncertain significance for Developmental and epileptic encephalopathy, 35. Last evaluated: 2025-02-25. Review status: criteria provided, single submitter. Criteria: ACMG Guidelines, 2015. Collection method: clinical testing. Allele origin: germline. Affected: yes.
Comment: The variant is not observed in the gnomAD v4.1.0 dataset. Predicted Consequence/Location: Missense variant. The majority of the known disease-causing variants of this gene are variants expected to result in premature termination of the protein. Damaging effect on gene or gene product predicted by in silico programs is uncertain [REVEL: 0.59 (damaging >=0.6, benign <0.4), 3Cnet: 0.53 (damaging >=0.6, benign <0.15)]. Therefore, this variant is classified as VUS according to the recommendation of ACMG/AMP guideline.